The following is an entry in ClinVar:

ClinVar aggregate classification (germline): Uncertain significance (1 of 4 stars; one submission).

Submission:

Labcorp Genetics (formerly Invitae), Labcorp
Classification: Uncertain significance. Last evaluated: 2025-11-28. Review status: criteria provided, single submitter. Criteria: Invitae Variant Classification Sherloc (09022015). Collection method: clinical testing. Allele origin: germline.
Comment: This sequence change affects a donor splice site in intron 51 of the COL4A1 gene. While this variant is not anticipated to result in nonsense mediated decay, it likely alters RNA splicing and results in a disrupted protein product. This variant is not present in population databases (gnomAD no frequency). This variant has not been reported in the literature in individuals affected with COL4A1-related conditions. Variants that disrupt the consensus splice site are a relatively common cause of aberrant splicing (PMID: 17576681, 9536098). Algorithms developed to predict the effect of sequence changes on RNA splicing suggest that this variant may disrupt the consensus splice site. In summary, the available evidence is currently insufficient to determine the role of this variant in disease. Therefore, it has been classified as a Variant of Uncertain Significance.

Literature cited by the submitters: PubMed 17576681; PubMed 9536098.

NM_001845.6(COL4A1):c.4928+1G>A

Gene: COL4A1 (collagen type IV alpha 1 chain; minus strand). Cytogenetic location: 13q34.
Variant type: single nucleotide variant.
Coding change: c.4928+1G>A on transcript NM_001845.6 (MANE Select); the canonical splice donor site of the intron after coding-DNA position 4928, G replaced by A.
Molecular consequence: splice donor variant.
Genome position (GRCh38, 1-based): chr13:110,152,333, C>T on the plus strand (G>A on the coding strand, the complement: COL4A1 is on the minus strand). VCF-style: chr13-110152333-C-T. GRCh37 (hg19) VCF-style: chr13-110804680-C-T.
Identifiers: ClinVar variation 4782094 (VCV004782094.1).
Genomic context (GRCh38, chr13:110,152,333, plus strand): 5'-GATTAAAAAATAAAGTCACAAAGGGGCCAGCAGCCTGCAAAAAAGCAGTGCTCCCACTTA[C>T]TTGAACATCTCGCTCCTCTCTATGGTGGCGAGCCAAAAGCTGTAAGCGTTTGCGTAGTAA-3'